The following is an entry in ClinVar:

ClinVar aggregate classification (germline): Likely benign. Review status: criteria provided, multiple submitters, no conflicts (2 of 4 stars). 2 submissions from 2 submitters: Likely benign (2). Last evaluated 2024-11-11.

Conditions:
Ehlers-Danlos syndrome, musculocontractural type 2 (EDSMC2). Identifiers: Orphanet 2953, MedGen C3809845, MONDO:0014236, OMIM 615539.

Allele frequency attached by ClinVar (database versions not stated): gnomAD 0.00001; gnomAD exomes 0.00002; TOPMed 0.00002.
gnomAD v4.1: 33 of 1,550,000 alleles (0.0021%); highest among the groups gnomAD compares: Non-Finnish European, 0.0026%; no homozygotes.

Submissions (2):

Labcorp Genetics (formerly Invitae), Labcorp
Classification: Likely benign for Ehlers-Danlos syndrome, musculocontractural type 2. Last evaluated: 2024-11-11. Review status: criteria provided, single submitter. Criteria: Invitae Variant Classification Sherloc (09022015). Collection method: clinical testing. Allele origin: germline.

GeneDx
Classification: Likely benign. Last evaluated: 2017-06-01. Review status: criteria provided, single submitter. Criteria: GeneDx Variant Classification (06012015). Collection method: clinical testing. Allele origin: germline. Affected: yes.
Comment: This variant is considered likely benign or benign based on one or more of the following criteria: it is a conservative change, it occurs at a poorly conserved position in the protein, it is predicted to be benign by multiple in silico algorithms, and/or has population frequency not consistent with disease.

NM_013352.4(DSE):c.911-15A>G

Gene: DSE (dermatan sulfate epimerase; plus strand). Cytogenetic location: 6q22.1.
Variant type: single nucleotide variant.
Coding change: c.911-15A>G on transcript NM_013352.4 (MANE Select); 15 bases into the intron before coding-DNA position 911, A replaced by G.
Molecular consequence: intron variant.
Genome position (GRCh38, 1-based): chr6:116,433,328, A>G. VCF-style: chr6-116433328-A-G. GRCh37 (hg19) VCF-style: chr6-116754491-A-G.
Other names: c.911-15A>G (NM_001322937.2, NM_001322938.2, NM_001080976.3); c.350-15A>G (NM_001322940.2, NM_001322941.2); c.968-15A>G (NM_001322939.2); c.910+2135A>G (NM_001322944.2); c.671-2259A>G (NM_001322943.2).
Identifiers: ClinVar variation 509805 (VCV000509805.5), dbSNP rs1232495093, ClinGen allele CA569685841.
Genomic context (GRCh38, chr6:116,433,328, plus strand): 5'-AAAGTCATTGTTTAGACCTATATAGGAGTGTGAAGTTTTCAAAGTATCTTAATTCTTTCC[A>G]ACTTATTTCCCTAGGGTTTCAAAGGACTGTGGCTATTGCGGACTCAAATTACAACTGGTT-3'